The following is an entry in ClinVar:

ClinVar aggregate classification (germline): Pathogenic (1 of 4 stars; one submission).

Submission:

Genetics Laboratory, UDIAT-Centre Diagnòstic, Hospital Universitari Parc Tauli
Classification: Pathogenic. Last evaluated: 2021-04-26. Review status: criteria provided, single submitter. Criteria: Parc Tauli Hospital Assertion Criteria 2021. Collection method: clinical testing. Allele origin: paternal. Inheritance: Autosomal recessive inheritance. Affected: yes. Observed: 1 compound heterozygote.
Comment: PVS1_very strong;PM2_supporting;PP3_supporting

NM_017613.4(DONSON):c.1086_1087dup (p.Ser363fs)

Gene: DONSON (DNA replication fork stabilization factor DONSON; minus strand). Cytogenetic location: 21q22.11.
Variant type: Duplication.
Coding change: c.1086_1087dup on transcript NM_017613.4 (MANE Select); coding-DNA positions 1086 to 1087, 2 bases duplicated (TT; older notation c.1086_1087dupTT).
Protein change: p.Ser363fs; shifts the reading frame from serine 363.
Molecular consequence: frameshift variant.
Genome position (GRCh38, 1-based): chr21:33,582,015-33,582,016, AA duplicated on the plus strand (TT on the coding strand, the reverse complement: DONSON is on the minus strand); duplicating any 2 consecutive bases within chr21:33,582,015-33,582,019 gives the same sequence; the c. name uses the placement nearest the transcript's 3' end. VCF-style (leftmost placement, unchanged base first): chr21-33582014-G-GAA. GRCh37 (hg19) VCF-style: chr21-34954320-G-GAA.
Other names: c.1086_1087dupTT (NM_017613.4); short protein forms S363fs.
Identifiers: ClinVar variation 1098401 (VCV001098401.2), dbSNP rs990508855, ClinGen allele CA320119343.